The following is an entry in ClinVar:

NM_020366.4(RPGRIP1):c.2347C>T (p.Arg783Trp)

Gene: RPGRIP1 (RPGR interacting protein 1; plus strand). Cytogenetic location: 14q11.2.
Variant type: single nucleotide variant.
Coding change: c.2347C>T on transcript NM_020366.4 (MANE Select); coding-DNA position 2347, C replaced by T.
Protein change: p.Arg783Trp; replaces arginine 783 with tryptophan.
Molecular consequence: missense variant. On other transcripts: intron variant (4).
Genome position (GRCh38, 1-based): chr14:21,325,363, C>T. VCF-style: chr14-21325363-C-T. GRCh37 (hg19) VCF-style: chr14-21793522-C-T.
Other names: c.1273C>T, p.Arg425Trp (NM_001377948.1); c.796+638C>T (NM_001377949.1); c.689-2260C>T (NM_001377523.1, NM_001377950.1); c.191-2260C>T (NM_001377951.1); short protein forms R425W, R783W.
Identifiers: ClinVar variation 1021620 (VCV001021620.7), dbSNP rs765878033, ClinGen allele CA7089222.

ClinVar aggregate classification (germline): Uncertain significance (1 of 4 stars; one submission).

Conditions:
Cone-rod dystrophy 13 (CORD13). Identifiers: Orphanet 1872, MedGen C2750720, MONDO:0011987, OMIM 608194.
Leber congenital amaurosis 6 (LCA6). Identifiers: Orphanet 65, MedGen C1854260, MONDO:0013446, OMIM 613826.

Allele frequency attached by ClinVar (database versions not stated): gnomAD 0.00001 and 0.00003; gnomAD exomes 0.00001 and 0.00002; TOPMed 0.00002; ExAC 0.00004; 1000 Genomes Project 30x 0.00016.
gnomAD v4.1: 25 of 1,587,154 alleles (0.0016%); highest among the groups gnomAD compares: Middle Eastern, 0.017%; 1 homozygote.

Submission:

Labcorp Genetics (formerly Invitae), Labcorp
Classification: Uncertain significance for Leber congenital amaurosis 6; Cone-rod dystrophy 13. Last evaluated: 2022-08-16. Review status: criteria provided, single submitter. Criteria: Invitae Variant Classification Sherloc (09022015). Collection method: clinical testing. Allele origin: germline.
Comment: In summary, the available evidence is currently insufficient to determine the role of this variant in disease. Therefore, it has been classified as a Variant of Uncertain Significance. Algorithms developed to predict the effect of missense changes on protein structure and function output the following: SIFT: "Tolerated"; PolyPhen-2: "Benign"; Align-GVGD: "Class C0". The tryptophan amino acid residue is found in multiple mammalian species, which suggests that this missense change does not adversely affect protein function. ClinVar contains an entry for this variant (Variation ID: 1021620). This variant has not been reported in the literature in individuals affected with RPGRIP1-related conditions. The frequency data for this variant in the population databases is considered unreliable, as metrics indicate poor data quality at this position in the gnomAD database. This sequence change replaces arginine, which is basic and polar, with tryptophan, which is neutral and slightly polar, at codon 783 of the RPGRIP1 protein (p.Arg783Trp).